The following is an entry in ClinVar:

NM_000492.4(CFTR):c.273G>A (p.Gly91=)

Gene: CFTR (CF transmembrane conductance regulator; plus strand). Cytogenetic location: 7q31.2.
Variant type: single nucleotide variant.
Coding change: c.273G>A on transcript NM_000492.4 (MANE Select); coding-DNA position 273, G replaced by A.
Protein change: p.Gly91=; no amino-acid change (glycine 91 retained).
Molecular consequence: synonymous variant.
Genome position (GRCh38, 1-based): chr7:117,509,142, G>A. VCF-style: chr7-117509142-G-A. GRCh37 (hg19) VCF-style: chr7-117149196-G-A.
Identifiers: ClinVar variation 3690037 (VCV003690037.4).

ClinVar aggregate classification (germline): Uncertain significance. Review status: criteria provided, multiple submitters, no conflicts (2 of 4 stars). 3 submissions from 3 submitters: Uncertain significance (2). 1 of the submissions does not count toward it. Last evaluated 2025-06-02.

Conditions:
Cystic fibrosis (CF). Also called: MUCOVISCIDOSIS. Identifiers: Orphanet 586, MedGen C0010674, MONDO:0009061, OMIM 219700. Disease mechanism: loss of function.

gnomAD v4.1: 1 of 1,492,320 alleles (0.000067%); highest among the groups gnomAD compares: South Asian, 0.0011%; no homozygotes.

Submissions (3):

Institute of Human Genetics, University of Leipzig Medical Center
Classification: Uncertain significance for Cystic fibrosis. Last evaluated: 2025-06-02. Review status: criteria provided, single submitter. Criteria: ACMG Guidelines, 2015. Collection method: clinical testing. Allele origin: unknown. Inheritance: Autosomal recessive inheritance. Affected: yes.
Comment: Criteria applied: PM2_SUP,PP3

Labcorp Genetics (formerly Invitae), Labcorp
Classification: Uncertain significance for Cystic fibrosis. Last evaluated: 2024-09-22. Review status: criteria provided, single submitter. Criteria: Invitae Variant Classification Sherloc (09022015). Collection method: clinical testing. Allele origin: germline.
Comment: This sequence change affects codon 91 of the CFTR mRNA. It is a 'silent' change, meaning that it does not change the encoded amino acid sequence of the CFTR protein. This variant also falls at the last nucleotide of exon 3, which is part of the consensus splice site for this exon. This variant is present in population databases (rs773739166, gnomAD 0.003%). This variant has not been reported in the literature in individuals affected with CFTR-related conditions. Variants that disrupt the consensus splice site are a relatively common cause of aberrant splicing (PMID: 17576681, 9536098). Algorithms developed to predict the effect of sequence changes on RNA splicing suggest that this variant may disrupt the consensus splice site. This variant disrupts the c.273G nucleotide in the CFTR gene. Other variant(s) that disrupt this nucleotide have been determined to be pathogenic (PMID: 25636364, 27264265). This suggests that this nucleotide is clinically significant, and that variants that disrupt this position are likely to be disease-causing. In summary, the available evidence is currently insufficient to determine the role of this variant in disease. Therefore, it has been classified as a Variant of Uncertain Significance.

Molecular Genetics Laboratory, BC Children's and BC Women's Hospitals
Classification: Uncertain significance for Cystic fibrosis. Last evaluated: 2026-02-20. Review status: no assertion criteria provided. Criteria: ACMG Guidelines, 2015. Collection method: clinical testing. Allele origin: germline. Affected: yes. Not counted in ClinVar's aggregate classification.

Literature cited by the submitters: PubMed 17576681 (cited by Labcorp Genetics (formerly Invitae), Labcorp); PubMed 9536098 (cited by Labcorp Genetics (formerly Invitae), Labcorp); PubMed 25636364 (cited by Labcorp Genetics (formerly Invitae), Labcorp); PubMed 27264265 (cited by Labcorp Genetics (formerly Invitae), Labcorp).